The following is an entry in ClinVar:

NC_000003.12:g.169764927G>A

Genes: TERC (telomerase RNA component; minus strand), LOC110806306 (telomerase RNA component (TERC) promoter; plus strand). Cytogenetic location: 3q26.2.
Variant type: single nucleotide variant.
Genome position: GRCh38 VCF-style: chr3-169764927-G-A. GRCh37 (hg19) VCF-style: chr3-169482715-G-A.
Identifiers: ClinVar variation 935195 (VCV000935195.9), dbSNP rs1306157402, ClinGen allele CA436715688.
Genomic context (GRCh38, chr3:169,764,927, plus strand): 5'-ACGGGCCAGCAGCTGACATTTTTTGTTTGCTCTAGAATGAACGGTGGAAGGCGGCAGGCC[G>A]AGGCTTTTCCGCCCGCTGAAAGTCAGCGAGAAAAACAGCGCGCGGGGAGCAAAAGCACGG-3'

ClinVar aggregate classification (germline): Uncertain significance. Review status: criteria provided, multiple submitters, no conflicts (2 of 4 stars). 2 submissions from 2 submitters: Uncertain significance (2). Last evaluated 2025-11-10.

Conditions:
Dyskeratosis congenita, autosomal dominant 1 (DKCA1). Also called: Dyskeratosis congenita Scoggins type. Identifiers: Orphanet 1775, MedGen C4551974, MONDO:0007485, OMIM 127550. Inheritance: Variable.

Allele frequency attached by ClinVar (database versions not stated): TOPMed 0.00001; gnomAD exomes 0.00002.
gnomAD v4.1: 12 of 765,230 alleles (0.0016%); highest among the groups gnomAD compares: Non-Finnish European, 0.0026%; no homozygotes.

Submissions (2):

Labcorp Genetics (formerly Invitae), Labcorp
Classification: Uncertain significance for Dyskeratosis congenita, autosomal dominant 1. Last evaluated: 2025-11-10. Review status: criteria provided, single submitter. Criteria: Invitae Variant Classification Sherloc (09022015). Collection method: clinical testing. Allele origin: germline.
Comment: This variant occurs in the TERC gene, which encodes an RNA molecule that does not result in a protein product. This variant is present in population databases (no rsID available, gnomAD 0.007%). This variant has not been reported in the literature in individuals affected with TERC-related conditions. ClinVar contains an entry for this variant (Variation ID: 935195). This variant is located within the template/pseudoknot domain of the TERC RNA component, which is required for RNA or RNP stability (PMID: 15082312, 21844345). In summary, the available evidence is currently insufficient to determine the role of this variant in disease. Therefore, it has been classified as a Variant of Uncertain Significance.

Blueprint Genetics
Classification: Uncertain significance. Last evaluated: 2022-12-02. Review status: criteria provided, single submitter. Criteria: ACMG Guidelines, 2015. Collection method: clinical testing. Allele origin: germline.

Literature cited by the submitters: PubMed 15082312 (cited by Labcorp Genetics (formerly Invitae), Labcorp); PubMed 21844345 (cited by Labcorp Genetics (formerly Invitae), Labcorp).